The following is an entry in ClinVar:

ClinVar aggregate classification (germline): Uncertain significance (1 of 4 stars; one submission).

Conditions:
Fibrous dysplasia of jaw (CRBM). Also called: Cherubism. Identifiers: Orphanet 184, MedGen C0008029, MONDO:0007315, OMIM 118400.

Allele frequency attached by ClinVar (database versions not stated): gnomAD exomes below 0.00001; ExAC 0.00001; gnomAD 0.00002; TOPMed 0.00002; 1000 Genomes Project 30x 0.00016; 1000 Genomes Project 0.00020.
gnomAD v4.1: 5 of 1,611,550 alleles (0.00031%); highest among the groups gnomAD compares: African/African-American, 0.0067%; no homozygotes.

Submission:

Labcorp Genetics (formerly Invitae), Labcorp
Classification: Uncertain significance for Fibrous dysplasia of jaw. Last evaluated: 2023-12-28. Review status: criteria provided, single submitter. Criteria: Invitae Variant Classification Sherloc (09022015). Collection method: clinical testing. Allele origin: germline.
Comment: This sequence change replaces proline, which is neutral and non-polar, with leucine, which is neutral and non-polar, at codon 386 of the SH3BP2 protein (p.Pro386Leu). This variant is present in population databases (rs373415147, gnomAD 0.01%). This variant has not been reported in the literature in individuals affected with SH3BP2-related conditions. Advanced modeling of protein sequence and biophysical properties (such as structural, functional, and spatial information, amino acid conservation, physicochemical variation, residue mobility, and thermodynamic stability) performed at Invitae indicates that this missense variant is not expected to disrupt SH3BP2 protein function with a negative predictive value of 80%. In summary, the available evidence is currently insufficient to determine the role of this variant in disease. Therefore, it has been classified as a Variant of Uncertain Significance.

NM_001122681.2(SH3BP2):c.1157C>T (p.Pro386Leu)

Gene: SH3BP2 (SH3 domain binding protein 2; plus strand). Cytogenetic location: 4p16.3.
Variant type: single nucleotide variant.
Coding change: c.1157C>T on transcript NM_001122681.2 (MANE Select); coding-DNA position 1157, C replaced by T.
Protein change: p.Pro386Leu; replaces proline 386 with leucine.
Molecular consequence: missense variant.
Genome position (GRCh38, 1-based): chr4:2,830,063, C>T. VCF-style: chr4-2830063-C-T. GRCh37 (hg19) VCF-style: chr4-2831790-C-T.
Other names: c.1241C>T, p.Pro414Leu (NM_001145855.2); c.1328C>T, p.Pro443Leu (NM_001145856.2); c.1157C>T, p.Pro386Leu (NM_003023.4); short protein forms P414L, P386L, P443L.
Identifiers: ClinVar variation 2965751 (VCV002965751.3), dbSNP rs373415147, ClinGen allele CA2819402.